The following is an entry in ClinVar:

ClinVar aggregate classification (germline): Uncertain significance (1 of 4 stars; one submission).

Conditions:
Hereditary cancer-predisposing syndrome. Also called: Hereditary Cancer Syndrome; Hereditary neoplastic syndrome; Tumor predisposition; Neoplastic Syndromes, Hereditary. Identifiers: Orphanet 140162, MedGen C0027672, MeSH D009386, MONDO:0015356.

Submission:

Ambry Genetics
Classification: Uncertain significance for Hereditary cancer-predisposing syndrome. Last evaluated: 2020-02-14. Review status: criteria provided, single submitter. Criteria: Ambry Variant Classification Scheme 2023. Collection method: clinical testing. Allele origin: germline.
Comment: The p.G835V variant (also known as c.2504G>T), located in coding exon 15 of the DICER1 gene, results from a G to T substitution at nucleotide position 2504. The glycine at codon 835 is replaced by valine, an amino acid with dissimilar properties. This amino acid position is highly conserved in available vertebrate species. In addition, this alteration is predicted to be deleterious by in silico analysis. Since supporting evidence is limited at this time, the clinical significance of this alteration remains unclear.

NM_177438.3(DICER1):c.2504G>T (p.Gly835Val)

Gene: DICER1 (dicer 1, ribonuclease III; minus strand). Cytogenetic location: 14q32.13.
Variant type: single nucleotide variant.
Coding change: c.2504G>T on transcript NM_177438.3 (MANE Select); coding-DNA position 2504, G replaced by T.
Protein change: p.Gly835Val; replaces glycine 835 with valine.
Molecular consequence: missense variant. On other transcripts: non-coding transcript variant (6).
Genome position (GRCh38, 1-based): chr14:95,108,026, C>A on the plus strand (G>T on the coding strand, the complement: DICER1 is on the minus strand). VCF-style: chr14-95108026-C-A. GRCh37 (hg19) VCF-style: chr14-95574363-C-A.
Other names: c.2504G>T, p.Gly835Val (NM_001195573.1, NM_001271282.3, NM_001291628.2 and 13 more transcripts); c.2222G>T, p.Gly741Val (NM_001395686.1); c.2099G>T, p.Gly700Val (NM_001395687.1, NM_001395688.1, NM_001395689.1 and 2 more transcripts); c.1937G>T, p.Gly646Val (NM_001395691.1); c.821G>T, p.Gly274Val (NM_001395697.1); short protein forms G835V, G646V, G274V, G700V, G741V.
Identifiers: ClinVar variation 1792296 (VCV001792296.2), dbSNP rs2140025679, ClinGen allele CA390881886.
Genomic context (GRCh38, chr14:95,108,026, plus strand): 5'-GAGAATATATACTGGTGAAGTCTTGTAATCAACTCAAGCATTTGTAGAGACAACATGAAA[C>A]CAGACTTCTTCAACTCAATGGATATGGTAACCTCTCCAGAGCGTGTGTACACAGGAAAGT-3'
Protein context (NP_803187.1, residues 825-845): VTISIELKKS[Gly835Val]FMLSLQMLEL